The following is an entry in ClinVar:

NM_024642.5(GALNT12):c.144C>G (p.Ala48=)

Gene: GALNT12 (polypeptide N-acetylgalactosaminyltransferase 12; plus strand). Cytogenetic location: 9q22.33.
Variant type: single nucleotide variant.
Coding change: c.144C>G on transcript NM_024642.5 (MANE Select); coding-DNA position 144, C replaced by G.
Protein change: p.Ala48=; no amino-acid change (alanine 48 retained).
Molecular consequence: synonymous variant.
Genome position (GRCh38, 1-based): chr9:98,807,842, C>G. VCF-style: chr9-98807842-C-G. GRCh37 (hg19) VCF-style: chr9-101570124-C-G.
Identifiers: ClinVar variation 416215 (VCV000416215.20), dbSNP rs1060504772, ClinGen allele CA16612698.
Genomic context (GRCh38, chr9:98,807,842, plus strand): 5'-GGCGTTGGCCGGGCTGGGCTCGGTGCTGCGGGCGCAGCGTGGGGCCGGGGCCGGGGCTGC[C>G]GAGCCGGGACCCCCGCGCACCCCGCGCCCCGGGCGGCGCGAGCCGGTCATGCCGCGGCCG-3'
Protein context (NP_078918.3, residues 38-58): RAQRGAGAGA[Ala48=]EPGPPRTPRP

ClinVar aggregate classification (germline): Benign/Likely benign. Review status: criteria provided, multiple submitters, no conflicts (2 of 4 stars). 5 submissions from 5 submitters: Benign (1); Likely benign (3). 1 of the submissions does not count toward it. Last evaluated 2026-04-22.

Conditions:
GALNT12-related disorder. Also called: GALNT12-related condition.
Colorectal cancer, susceptibility to, 1. Also called: COLORECTAL ADENOMA AND CANCER, SUSCEPTIBILITY TO; COLORECTAL CANCER, SUSCEPTIBILITY TO, ON CHROMOSOME 9. Identifiers: MedGen C1837315, MONDO:0012132, OMIM 608812.

Allele frequency attached by ClinVar (database versions not stated): gnomAD 0.00013 and 0.00012; gnomAD exomes 0.00006; TOPMed 0.00032.
gnomAD v4.1: 74 of 1,009,410 alleles (0.0073%); highest among the groups gnomAD compares: Admixed American, 0.072%; no homozygotes.

Submissions (5):

Myriad Genetics, Inc.
Classification: Benign for Colorectal cancer, susceptibility to, 1. Last evaluated: 2026-04-22. Review status: criteria provided, single submitter. Criteria: Myriad Autosomal Dominant, Autosomal Recessive and X-Linked Classification Criteria (2023). Collection method: clinical testing. Allele origin: unknown.
Comment: This variant is considered benign. This variant is a silent/synonymous amino acid change and it is not expected to impact splicing.

Labcorp Genetics (formerly Invitae), Labcorp
Classification: Likely benign. Last evaluated: 2025-09-25. Review status: criteria provided, single submitter. Criteria: Invitae Variant Classification Sherloc (09022015). Collection method: clinical testing. Allele origin: germline.

Quest Diagnostics Nichols Institute San Juan Capistrano
Classification: Likely benign. Last evaluated: 2023-02-16. Review status: criteria provided, single submitter. Criteria: Quest Diagnostics criteria. Collection method: clinical testing. Allele origin: unknown.

Ambry Genetics
Classification: Likely benign. Last evaluated: 2017-09-22. Review status: criteria provided, single submitter. Criteria: Ambry Variant Classification Scheme 2023. Collection method: clinical testing. Allele origin: germline.

PreventionGenetics, part of Exact Sciences
Classification: Likely benign for GALNT12-related condition. Last evaluated: 2020-12-20. Review status: no assertion criteria provided. Collection method: clinical testing. Allele origin: germline. Not counted in ClinVar's aggregate classification.
Comment: This variant is classified as likely benign based on ACMG/AMP sequence variant interpretation guidelines (Richards et al. 2015 PMID: 25741868, with internal and published modifications).